The following is an entry in ClinVar:

ClinVar aggregate classification (germline): Uncertain significance (1 of 4 stars; one submission).

Conditions:
Gorlin syndrome. Also called: Basal cell nevus syndrome; Nevoid Basal Cell Carcinoma Syndrome. Identifiers: Orphanet 377, MedGen C0004779, MONDO:0007187.

Submission:

Labcorp Genetics (formerly Invitae), Labcorp
Classification: Uncertain significance for Gorlin syndrome. Last evaluated: 2021-09-15. Review status: criteria provided, single submitter. Criteria: Invitae Variant Classification Sherloc (09022015). Collection method: clinical testing. Allele origin: germline.
Comment: This sequence change replaces glutamine with histidine at codon 889 of the PTCH1 protein (p.Gln889His). The glutamine residue is moderately conserved and there is a small physicochemical difference between glutamine and histidine. This variant is not present in population databases (ExAC no frequency). This variant has not been reported in the literature in individuals affected with PTCH1-related conditions. Algorithms developed to predict the effect of missense changes on protein structure and function are either unavailable or do not agree on the potential impact of this missense change (SIFT: "Tolerated"; PolyPhen-2: "Probably Damaging"; Align-GVGD: "Class C0"). In summary, the available evidence is currently insufficient to determine the role of this variant in disease. Therefore, it has been classified as a Variant of Uncertain Significance.

NM_000264.5(PTCH1):c.2667A>T (p.Gln889His)

Gene: PTCH1 (patched 1; minus strand). Cytogenetic location: 9q22.32.
Variant type: single nucleotide variant.
Coding change: c.2667A>T on transcript NM_000264.5 (MANE Select); coding-DNA position 2667, A replaced by T.
Protein change: p.Gln889His; replaces glutamine 889 with histidine.
Molecular consequence: missense variant. On other transcripts: non-coding transcript variant (1).
Genome position (GRCh38, 1-based): chr9:95,461,892, T>A on the plus strand (A>T on the coding strand, the complement: PTCH1 is on the minus strand). VCF-style: chr9-95461892-T-A. GRCh37 (hg19) VCF-style: chr9-98224174-T-A.
Other names: c.2469A>T, p.Gln823His (NM_001083602.3); c.2664A>T, p.Gln888His (NM_001083603.3); c.2214A>T, p.Gln738His (NM_001083604.3, NM_001083605.3, NM_001083606.3 and 1 more transcripts); c.2511A>T, p.Gln837His (NM_001354918.2); short protein forms Q738H, Q837H, Q888H, Q889H, Q823H.
Identifiers: ClinVar variation 1520299 (VCV001520299.6), dbSNP rs777777450, ClinGen allele CA374113352.